The following is an entry in ClinVar:

ClinVar aggregate classification (germline): Likely benign. Review status: reviewed by expert panel (3 of 4 stars). 2 submissions from 2 submitters: Likely benign (1). 1 of the submissions does not count toward it. Last evaluated 2025-01-15.

Conditions:
Hereditary thrombocytopenia and hematologic cancer predisposition syndrome. Identifiers: Orphanet 71290, MedGen CN281654, MONDO:0011071.
Hereditary thrombocytopenia and hematological cancer predisposition syndrome associated with RUNX1. Also called: PLATELET DISORDER, ASPIRIN-LIKE; RUNX1 Familial Platelet Disorder with Associated Myeloid Malignancies; Familial Platelet Disorder with Propensity to Acute Myelogenous Leukemia; Familial thrombocytopenia with propensity to acute myelogenous leukemia. Identifiers: Orphanet 71290, MedGen C1832388, MeSH C563324, MONDO:0100083, OMIM 601399.

Allele frequency attached by ClinVar (database versions not stated): gnomAD 0.00019; TOPMed 0.00023.
gnomAD v4.1: 35 of 231,078 alleles (0.015%); highest among the groups gnomAD compares: East Asian, 0.043%; no homozygotes.

Submissions (2):

ClinGen Myeloid Malignancy Variant Curation Expert Panel
Classification: Likely benign for Hereditary thrombocytopenia and hematologic cancer predisposition syndrome. Last evaluated: 2025-01-15. Review status: reviewed by expert panel. Criteria: ClinGen MyeloMalig ACMG Specifications v2. Collection method: curation. Allele origin: germline. Inheritance: Autosomal dominant inheritance.
Comment: NM_001754.5(RUNX1):c.*436G>C is a 3' UTR variant which has a MAF of 0.0005771 (0.05771%, 3/5198, 3 alleles) in the East Asian subpopulation of the gnomAD 3.1.2 cohort is between 0.00015 (0.015%) and 0.0015 (0.15%) (BS1). In summary, this variant meets criteria to be classified as likely benign. ACMG/AMP criteria applied, as specified by the Myeloid Malignancy Variant Curation Expert Panel for RUNX1: BS1.

Illumina Laboratory Services, Illumina
Classification: Uncertain significance for Hereditary thrombocytopenia and hematological cancer predisposition syndrome associated with RUNX1. Last evaluated: 2018-01-12. Review status: criteria provided, single submitter. Criteria: ICSL Variant Classification Criteria 13 December 2019. Collection method: clinical testing. Allele origin: germline. Not counted in ClinVar's aggregate classification.

NM_001754.5(RUNX1):c.*436G>C

Gene: RUNX1 (RUNX family transcription factor 1; minus strand). Cytogenetic location: 21q22.12.
Variant type: single nucleotide variant.
Coding change: c.*436G>C on transcript NM_001754.5 (MANE Select); 436 bases downstream of the stop codon, G replaced by C.
Molecular consequence: 3 prime UTR variant.
Genome position (GRCh38, 1-based): chr21:34,791,699, C>G on the plus strand (G>C on the coding strand, the complement: RUNX1 is on the minus strand). VCF-style: chr21-34791699-C-G. GRCh37 (hg19) VCF-style: chr21-36163996-C-G.
Other names: c.*436G>C (NM_001001890.3).
Identifiers: ClinVar variation 339865 (VCV000339865.6), dbSNP rs369123316, ClinGen allele CA10650438.
Genomic context (GRCh38, chr21:34,791,699, plus strand): 5'-GAAAAATTAAAAATAAGAATTAGATGCCAAACAGGGCGAGTTGCATCCCTCCTCTCCCCC[C>G]ACCCCAACCAAAATTCCACACTCTTTGGAATAAACAACTTGGTTAAAAAGTTAAGTCAAG-3'